The following is an entry in ClinVar:

ClinVar aggregate classification (germline): Uncertain significance. Review status: criteria provided, multiple submitters, no conflicts (2 of 4 stars). 2 submissions from 2 submitters: Uncertain significance (2). Last evaluated 2026-06-08.

Conditions:
PKD1L1-related disorder. Also called: PKD1L1-related condition.

gnomAD v4.1: 116 of 1,613,168 alleles (0.0072%); highest among the groups gnomAD compares: African/African-American, 0.1%; 1 homozygote.

Submissions (2):

PreventionGenetics, part of Exact Sciences
Classification: Uncertain significance for PKD1L1-related condition. Last evaluated: 2026-06-08. Review status: criteria provided, single submitter. Criteria: ACMG Guidelines, 2015. Collection method: clinical testing. Allele origin: germline.
Comment: The PKD1L1 c.5162G>A variant is predicted to result in the amino acid substitution p.Arg1721His. To our knowledge, this variant has not been reported in the literature. This variant is reported in 0.092% of alleles in individuals of African descent in gnomAD. Although we suspect that this variant may be benign, at this time, the clinical significance of this variant is uncertain due to the absence of conclusive functional and genetic evidence.

Labcorp Genetics (formerly Invitae), Labcorp
Classification: Uncertain significance. Last evaluated: 2025-12-30. Review status: criteria provided, single submitter. Criteria: Invitae Variant Classification Sherloc (09022015). Collection method: clinical testing. Allele origin: germline.
Comment: This sequence change replaces arginine, which is basic and polar, with histidine, which is basic and polar, at codon 1721 of the PKD1L1 protein (p.Arg1721His). This variant is present in population databases (rs149697565, gnomAD 0.1%). This variant has not been reported in the literature in individuals affected with PKD1L1-related conditions. Invitae Evidence Modeling of protein sequence and biophysical properties (such as structural, functional, and spatial information, amino acid conservation, physicochemical variation, residue mobility, and thermodynamic stability) indicates that this missense variant is not expected to disrupt PKD1L1 protein function with a negative predictive value of 80%. In summary, the available evidence is currently insufficient to determine the role of this variant in disease. Therefore, it has been classified as a Variant of Uncertain Significance.

NM_138295.5(PKD1L1):c.5162G>A (p.Arg1721His)

Gene: PKD1L1 (polycystin 1 like 1, transient receptor potential channel interacting; minus strand). Cytogenetic location: 7p12.3.
Variant type: single nucleotide variant.
Coding change: c.5162G>A on transcript NM_138295.5 (MANE Select); coding-DNA position 5162, G replaced by A.
Protein change: p.Arg1721His; replaces arginine 1721 with histidine.
Molecular consequence: missense variant.
Genome position (GRCh38, 1-based): chr7:47,845,070, C>T on the plus strand (G>A on the coding strand, the complement: PKD1L1 is on the minus strand). VCF-style: chr7-47845070-C-T. GRCh37 (hg19) VCF-style: chr7-47884668-C-T.
Other names: c.5162G>A (NM_138295.3); short protein forms R1721H.
Identifiers: ClinVar variation 4748317 (VCV004748317.2).
Genomic context (GRCh38, chr7:47,845,070, plus strand): 5'-ATGTCACTCACTTCAAAACTGGCCTTCAGCTTTCTCCTTAGGAGAGCGAATGCCGCGAGG[C>T]GATGGTAGCTAGGAGGGAAATGCGGATGAGGATACAGAATGTGTGGAGAGAGCAGCTGTT-3'
Protein context (NP_612152.1, residues 1711-1731): SPEKVNCSYH[Arg1721His]LAAFALLRRK